The following is an entry in ClinVar:

NM_000038.6(APC):c.8134C>G (p.Pro2712Ala)

Gene: APC (APC regulator of Wnt signaling pathway; plus strand). Cytogenetic location: 5q22.2.
Variant type: single nucleotide variant.
Coding change: c.8134C>G on transcript NM_000038.6 (MANE Select); coding-DNA position 8134, C replaced by G.
Protein change: p.Pro2712Ala; replaces proline 2712 with alanine.
Molecular consequence: missense variant.
Genome position (GRCh38, 1-based): chr5:112,843,728, C>G. VCF-style: chr5-112843728-C-G. GRCh37 (hg19) VCF-style: chr5-112179425-C-G.
Other names: c.8134C>G, p.Pro2712Ala (NM_001127510.3, NM_001354895.2); c.8080C>G, p.Pro2694Ala (NM_001127511.3); c.8188C>G, p.Pro2730Ala (NM_001354896.2); c.8164C>G, p.Pro2722Ala (NM_001354897.2); c.8059C>G, p.Pro2687Ala (NM_001354898.2); c.8050C>G, p.Pro2684Ala (NM_001354899.2); c.8011C>G, p.Pro2671Ala (NM_001354900.2); c.7957C>G, p.Pro2653Ala (NM_001354901.2); and 5 more; short protein forms P2694A, P2712A, P2586A, P2611A, P2621A, P2722A, P2429A, P2552A.
Identifiers: ClinVar variation 470131 (VCV000470131.18), dbSNP rs76933416, ClinGen allele CA049967.
Genomic context (GRCh38, chr5:112,843,728, plus strand): 5'-CCAAACATTAAAGATTCAAAAGATAATCAGGCAAAACAAAATGTGGGTAATGGCAGTGTT[C>G]CCATGCGTACCGTGGGTTTGGAAAATCGCCTGAACTCCTTTATTCAGGTGGATGCCCCTG-3'
Protein context (NP_000029.2, residues 2702-2722): AKQNVGNGSV[Pro2712Ala]MRTVGLENRL

ClinVar aggregate classification (germline): Uncertain significance. Review status: criteria provided, multiple submitters, no conflicts (2 of 4 stars). 4 submissions from 4 submitters: Uncertain significance (4). Last evaluated 2025-09-24.

Conditions:
Familial adenomatous polyposis 1 (FAP1). Also called: POLYPOSIS, ADENOMATOUS INTESTINAL; FAMILIAL ADENOMATOUS POLYPOSIS 1, ATTENUATED. Identifiers: MedGen C2713442, MONDO:0021056, OMIM 175100. Disease mechanism: loss of function.
Hereditary cancer-predisposing syndrome. Also called: Hereditary neoplastic syndrome; Neoplastic Syndromes, Hereditary; Tumor predisposition; Hereditary Cancer Syndrome. Identifiers: Orphanet 140162, MedGen C0027672, MeSH D009386, MONDO:0015356.

Allele frequency attached by ClinVar (database versions not stated): gnomAD exomes below 0.00001; ExAC 0.00001.

Submissions (4):

Labcorp Genetics (formerly Invitae), Labcorp
Classification: Uncertain significance for Familial adenomatous polyposis 1. Last evaluated: 2025-09-24. Review status: criteria provided, single submitter. Criteria: Invitae Variant Classification Sherloc (09022015). Collection method: clinical testing. Allele origin: germline.
Comment: This sequence change replaces proline, which is neutral and non-polar, with alanine, which is neutral and non-polar, at codon 2712 of the APC protein (p.Pro2712Ala). This variant is present in population databases (rs76933416, gnomAD 0.006%). This variant has not been reported in the literature in individuals affected with APC-related conditions. ClinVar contains an entry for this variant (Variation ID: 470131). Invitae Evidence Modeling of protein sequence and biophysical properties (such as structural, functional, and spatial information, amino acid conservation, physicochemical variation, residue mobility, and thermodynamic stability) indicates that this missense variant is not expected to disrupt APC protein function with a negative predictive value of 95%. In summary, the available evidence is currently insufficient to determine the role of this variant in disease. Therefore, it has been classified as a Variant of Uncertain Significance.

Color Diagnostics, LLC DBA Color Health
Classification: Uncertain significance for Hereditary cancer-predisposing syndrome. Last evaluated: 2025-07-02. Review status: criteria provided, single submitter. Criteria: ACMG Guidelines, 2015. Collection method: clinical testing. Allele origin: germline.
Comment: This missense variant replaces proline with alanine at codon 2712 of the APC protein. Computational prediction suggests that this variant may not impact protein structure and function. To our knowledge, functional studies have not been reported for this variant. This variant has not been reported in individuals affected with APC-related disorders in the literature. This variant has been identified in 1/251324 chromosomes in the general population by the Genome Aggregation Database (gnomAD). The available evidence is insufficient to determine the role of this variant in disease conclusively. Therefore, this variant is classified as a Variant of Uncertain Significance.

Ambry Genetics
Classification: Uncertain significance for Hereditary cancer-predisposing syndrome. Last evaluated: 2025-04-05. Review status: criteria provided, single submitter. Criteria: Ambry Variant Classification Scheme 2023. Collection method: clinical testing. Allele origin: germline.
Comment: The p.P2712A variant (also known as c.8134C>G), located in coding exon 15 of the APC gene, results from a C to G substitution at nucleotide position 8134. The proline at codon 2712 is replaced by alanine, an amino acid with highly similar properties. This amino acid position is not well conserved in available vertebrate species. In addition, in silico predictors for this gene do not accurately predict pathogenicity. Since supporting evidence is limited at this time, the clinical significance of this alteration remains unclear.

GeneDx
Classification: Uncertain significance. Last evaluated: 2023-07-25. Review status: criteria provided, single submitter. Criteria: GeneDx Variant Classification Process June 2021. Collection method: clinical testing. Allele origin: germline. Affected: yes.
Comment: Not observed at significant frequency in large population cohorts (gnomAD); In silico analysis supports that this missense variant does not alter protein structure/function; Observed in an individual with pancreatic cancer in published literature (Grant et al., 2015); This variant is associated with the following publications: (PMID: 18199528, 25479140)